The following is an entry in ClinVar:

ClinVar aggregate classification (germline): Uncertain significance (1 of 4 stars; one submission).

Allele frequency attached by ClinVar (database versions not stated): gnomAD exomes below 0.00001 and 0.00003; TOPMed below 0.00001.
gnomAD v4.1: 43 of 1,612,736 alleles (0.0027%); highest among the groups gnomAD compares: Non-Finnish European, 0.0036%; no homozygotes.

Submission:

Labcorp Genetics (formerly Invitae), Labcorp
Classification: Uncertain significance. Last evaluated: 2022-01-13. Review status: criteria provided, single submitter. Criteria: Invitae Variant Classification Sherloc (09022015). Collection method: clinical testing. Allele origin: germline.
Comment: This sequence change replaces proline, which is neutral and non-polar, with arginine, which is basic and polar, at codon 666 of the ATF6 protein (p.Pro666Arg). This variant is present in population databases (rs767674462, gnomAD 0.0009%). This variant has not been reported in the literature in individuals affected with ATF6-related conditions. ClinVar contains an entry for this variant (Variation ID: 858518). Algorithms developed to predict the effect of missense changes on protein structure and function (SIFT, PolyPhen-2, Align-GVGD) all suggest that this variant is likely to be tolerated. Algorithms developed to predict the effect of sequence changes on RNA splicing suggest that this variant may create or strengthen a splice site. In summary, the available evidence is currently insufficient to determine the role of this variant in disease. Therefore, it has been classified as a Variant of Uncertain Significance.

NM_007348.4(ATF6):c.1997C>G (p.Pro666Arg)

Gene: ATF6 (activating transcription factor 6; plus strand). Cytogenetic location: 1q23.3.
Variant type: single nucleotide variant.
Coding change: c.1997C>G on transcript NM_007348.4 (MANE Select); coding-DNA position 1997, C replaced by G.
Protein change: p.Pro666Arg; replaces proline 666 with arginine.
Molecular consequence: missense variant.
Genome position (GRCh38, 1-based): chr1:161,958,638, C>G. VCF-style: chr1-161958638-C-G. GRCh37 (hg19) VCF-style: chr1-161928428-C-G.
Other names: short protein forms P666R.
Identifiers: ClinVar variation 858518 (VCV000858518.5), dbSNP rs767674462, ClinGen allele CA31723589.
Genomic context (GRCh38, chr1:161,958,638, plus strand): 5'-ACACCTTCTTTGGCTCCCCTCCCGCAGCCACAGAGGCAACCCACGTTGTCAGCACCATCC[C>G]TGAGTCATTACAATAGCACCCTGCAGCTATGCTGGAAAACTGAGCGTGGGACCCTGCCAG-3'
Protein context (NP_031374.2, residues 656-670): TEATHVVSTI[Pro666Arg]ESLQ